The following is an entry in ClinVar:

NM_001270.4(CHD1):c.803A>C (p.Glu268Ala)

Gene: CHD1 (chromodomain helicase DNA binding protein 1; minus strand). Cytogenetic location: 5q21.1.
Variant type: single nucleotide variant.
Coding change: c.803A>C on transcript NM_001270.4 (MANE Select); coding-DNA position 803, A replaced by C.
Protein change: p.Glu268Ala; replaces glutamic acid 268 with alanine.
Molecular consequence: missense variant. On other transcripts: non-coding transcript variant (2).
Genome position (GRCh38, 1-based): chr5:98,900,867, T>G on the plus strand (A>C on the coding strand, the complement: CHD1 is on the minus strand). VCF-style: chr5-98900867-T-G. GRCh37 (hg19) VCF-style: chr5-98236571-T-G.
Other names: c.803A>C, p.Glu268Ala (NM_001364113.3, NM_001376194.2); short protein forms E268A.
Identifiers: ClinVar variation 3781258 (VCV003781258.1).

ClinVar aggregate classification (germline): Uncertain significance (1 of 4 stars; one submission).

Submission:

GeneDx
Classification: Uncertain significance. Last evaluated: 2024-10-16. Review status: criteria provided, single submitter. Criteria: GeneDx Variant Classification Process June 2021. Collection method: clinical testing. Allele origin: germline. Affected: yes.
Comment: Not observed at significant frequency in large population cohorts (gnomAD); In silico analysis supports that this missense variant has a deleterious effect on protein structure/function; Has not been previously published as pathogenic or benign to our knowledge